The following is an entry in ClinVar:

ClinVar aggregate classification (germline): Pathogenic/Likely pathogenic. Review status: criteria provided, multiple submitters, no conflicts (2 of 4 stars). 2 submissions from 2 submitters: Pathogenic (1); Likely pathogenic (1). Last evaluated 2024-09-30.

Conditions:
Autosomal recessive limb-girdle muscular dystrophy. Identifiers: Orphanet 102015, MedGen C2931907, MONDO:0015152.
Neuromuscular disease caused by qualitative or quantitative defects of dysferlin. Also called: Dysferlinopathy; Qualitative or quantitative defects of dysferlin. Identifiers: Orphanet 207073, MedGen C2931687, MONDO:0016145.

Submissions (2):

Labcorp Genetics (formerly Invitae), Labcorp
Classification: Pathogenic for Neuromuscular disease caused by qualitative or quantitative defects of dysferlin. Last evaluated: 2024-09-30. Review status: criteria provided, single submitter. Criteria: Invitae Variant Classification Sherloc (09022015). Collection method: clinical testing. Allele origin: germline.
Comment: This sequence change creates a premature translational stop signal (p.Trp926*) in the DYSF gene. It is expected to result in an absent or disrupted protein product. Loss-of-function variants in DYSF are known to be pathogenic (PMID: 17698709, 20301480). This variant is not present in population databases (gnomAD no frequency). This premature translational stop signal has been observed in individual(s) with dysferlinopathy (PMID: 33610434). ClinVar contains an entry for this variant (Variation ID: 1724791). For these reasons, this variant has been classified as Pathogenic.

Myriad Genetics, Inc.
Classification: Likely pathogenic for Autosomal recessive limb-girdle muscular dystrophy. Last evaluated: 2021-11-19. Review status: criteria provided, single submitter. Criteria: Myriad Autosomal Dominant, Autosomal Recessive and X-Linked Classification Criteria (2023). Collection method: clinical testing. Allele origin: unknown.
Comment: NM_003494.3(DYSF):c.2778G>A(W926*) is expected to be pathogenic in the context of dysferlinopathy. This variant is predicted to lead to an abnormal or absent protein product due to the creation of a premature termination codon in DYSF, a gene where loss-of-function variants are known to be pathogenic. Please note: this variant was assessed in the context of healthy population screening.

Literature cited by the submitters: PubMed 17698709 (cited by Labcorp Genetics (formerly Invitae), Labcorp); PubMed 20301480 (cited by Labcorp Genetics (formerly Invitae), Labcorp); PubMed 33610434 (cited by Labcorp Genetics (formerly Invitae), Labcorp).

NM_001130987.2(DYSF):c.2832G>A (p.Trp944Ter)

Gene: DYSF (dysferlin; plus strand). Cytogenetic location: 2p13.2.
Variant type: single nucleotide variant.
Coding change: c.2832G>A on transcript NM_001130987.2 (MANE Select); coding-DNA position 2832, G replaced by A.
Protein change: p.Trp944Ter; replaces tryptophan 944 with a stop codon.
Molecular consequence: nonsense.
Genome position (GRCh38, 1-based): chr2:71,568,306, G>A. VCF-style: chr2-71568306-G-A. GRCh37 (hg19) VCF-style: chr2-71795436-G-A.
Other names: c.2781G>A, p.Trp927Ter (NM_001130455.2, NM_001130983.2); c.2736G>A, p.Trp912Ter (NM_001130976.2, NM_001130977.2); c.2778G>A, p.Trp926Ter (NM_001130978.2, NM_003494.4); c.2871G>A, p.Trp957Ter (NM_001130979.2); c.2829G>A, p.Trp943Ter (NM_001130980.2, NM_001130981.2); c.2874G>A, p.Trp958Ter (NM_001130982.2); c.2739G>A, p.Trp913Ter (NM_001130984.2, NM_001130986.2); c.2832G>A, p.Trp944Ter (NM_001130985.2); short protein forms W912*, W913*, W926*, W927*, W943*, W944*, W957*, W958*.
Identifiers: ClinVar variation 1724791 (VCV001724791.6), dbSNP rs2545800359, ClinGen allele CA347215181.
Genomic context (GRCh38, chr2:71,568,306, plus strand): 5'-CGTCACGGGCAAGATCAAGCTACCCAAGGACAGCTTCCGCCCCTCGGCCGGCTGGACCTG[G>A]GCTGGAGATTGGTTCGTGTGTCCGGAGAAGACGTGAGTCGTGGGCAGGGAGGGCTGGGGA-3'